The following is an entry in ClinVar:

NM_000377.3(WAS):c.695A>T (p.Lys232Met)

Gene: WAS (WASP actin nucleation promoting factor; plus strand). Cytogenetic location: Xp11.23.
Variant type: single nucleotide variant.
Coding change: c.695A>T on transcript NM_000377.3 (MANE Select); coding-DNA position 695, A replaced by T.
Protein change: p.Lys232Met; replaces lysine 232 with methionine.
Molecular consequence: missense variant.
Genome position (GRCh38, 1-based): chrX:48,686,916, A>T. VCF-style: chrX-48686916-A-T. GRCh37 (hg19) VCF-style: chrX-48545305-A-T.
Other names: c.695A>T, p.Lys232Met (NM_001438876.1, NM_001438877.1, NM_001438878.1 and 1 more transcripts); short protein forms K232M.
Identifiers: ClinVar variation 4782415 (VCV004782415.1).

ClinVar aggregate classification (germline): Uncertain significance (1 of 4 stars; one submission).

Conditions:
Thrombocytopenia 1. Also called: X-linked thrombocytopenia with normal platelets; X-Linked Thrombocytopenia (XLT); THROMBOCYTOPENIA, X-LINKED, 1. Identifiers: Orphanet 268322, Orphanet 852, MedGen C1839163, MONDO:0010743, OMIM 313900.
Wiskott-Aldrich syndrome (WAS). Also called: ALDRICH SYNDROME; IMMUNODEFICIENCY 2; WISKOTT-ALDRICH SYNDROME 1; Wiskott-aldrich syndrome, somatic. Identifiers: Orphanet 906, MedGen C0043194, MONDO:0010518, OMIM 301000.
X-linked severe congenital neutropenia (SCNX). Identifiers: Orphanet 86788, MedGen C1845987, MONDO:0010294, OMIM 300299.

gnomAD v4.1: 1 of 1,210,269 alleles (0.000083%); highest among the groups gnomAD compares: Non-Finnish European, 0.00011%; no homozygotes.

Submission:

Labcorp Genetics (formerly Invitae), Labcorp
Classification: Uncertain significance for Wiskott-Aldrich syndrome; X-linked severe congenital neutropenia; Thrombocytopenia 1. Last evaluated: 2025-08-10. Review status: criteria provided, single submitter. Criteria: Invitae Variant Classification Sherloc (09022015). Collection method: clinical testing. Allele origin: germline.
Comment: This sequence change replaces lysine, which is basic and polar, with methionine, which is neutral and non-polar, at codon 232 of the WAS protein (p.Lys232Met). This variant is not present in population databases (gnomAD no frequency). This variant has not been reported in the literature in individuals affected with WAS-related conditions. Invitae Evidence Modeling of protein sequence and biophysical properties (such as structural, functional, and spatial information, amino acid conservation, physicochemical variation, residue mobility, and thermodynamic stability) indicates that this missense variant is not expected to disrupt WAS protein function with a negative predictive value of 80%. In summary, the available evidence is currently insufficient to determine the role of this variant in disease. Therefore, it has been classified as a Variant of Uncertain Significance.